The following is an entry in ClinVar:

ClinVar aggregate classification (germline): Uncertain significance (1 of 4 stars; one submission).

Conditions:
Congenital myasthenic syndrome 12 (CMS12). Also called: Myasthenia, congenital, 12, with tubular aggregates; MYASTHENIC SYNDROME, CONGENITAL, WITH TUBULAR AGGREGATES 1. Identifiers: Orphanet 353327, Orphanet 590, MedGen C3552335, MONDO:0012518, OMIM 610542.

Submission:

Labcorp Genetics (formerly Invitae), Labcorp
Classification: Uncertain significance for Congenital myasthenic syndrome 12. Last evaluated: 2022-09-01. Review status: criteria provided, single submitter. Criteria: Invitae Variant Classification Sherloc (09022015). Collection method: clinical testing. Allele origin: germline.
Comment: In summary, the available evidence is currently insufficient to determine the role of this variant in disease. Therefore, it has been classified as a Variant of Uncertain Significance. This variant has not been reported in the literature in individuals affected with GFPT1-related conditions. This variant results in a copy number gain of the genomic region encompassing exon(s) 3-20 of the GFPT1 gene. This region includes the termination codon of the gene. This copy number gain extends beyond the assayed region for this gene and therefore may encompass additional genes. As the precise location of this event is unknown, it may be in tandem or it may be located elsewhere in the genome.

NC_000002.11:g.(?_69553299)_(69597260_?)dup

Gene: GFPT1 (glutamine--fructose-6-phosphate transaminase 1; minus strand). Cytogenetic location: 2p13.3.
Variant type: Duplication.
Identifiers: ClinVar variation 2424023 (VCV002424023.4).